The following is an entry in ClinVar:

ClinVar aggregate classification (germline): Uncertain significance (1 of 4 stars; one submission).

Allele frequency attached by ClinVar (database versions not stated): ExAC 0.00002; gnomAD 0.00002; TOPMed 0.00002; gnomAD exomes 0.00003; 1000 Genomes Project 30x 0.00016; 1000 Genomes Project 0.00020.
gnomAD v4.1: 27 of 1,614,212 alleles (0.0017%); highest among the groups gnomAD compares: East Asian, 0.016%; no homozygotes.

Submission:

Labcorp Genetics (formerly Invitae), Labcorp
Classification: Uncertain significance. Last evaluated: 2025-12-22. Review status: criteria provided, single submitter. Criteria: Invitae Variant Classification Sherloc (09022015). Collection method: clinical testing. Allele origin: germline.
Comment: This sequence change replaces arginine, which is basic and polar, with glutamine, which is neutral and polar, at codon 1619 of the POLR1A protein (p.Arg1619Gln). This variant is present in population databases (rs537491902, gnomAD 0.02%). This variant has not been reported in the literature in individuals affected with POLR1A-related conditions. ClinVar contains an entry for this variant (Variation ID: 1368374). Invitae Evidence Modeling of protein sequence and biophysical properties (such as structural, functional, and spatial information, amino acid conservation, physicochemical variation, residue mobility, and thermodynamic stability) indicates that this missense variant is not expected to disrupt POLR1A protein function with a negative predictive value of 80%. In summary, the available evidence is currently insufficient to determine the role of this variant in disease. Therefore, it has been classified as a Variant of Uncertain Significance.

NM_015425.6(POLR1A):c.4856G>A (p.Arg1619Gln)

Gene: POLR1A (RNA polymerase I subunit A; minus strand). Cytogenetic location: 2p11.2.
Variant type: single nucleotide variant.
Coding change: c.4856G>A on transcript NM_015425.6 (MANE Select); coding-DNA position 4856, G replaced by A.
Protein change: p.Arg1619Gln; replaces arginine 1619 with glutamine.
Molecular consequence: missense variant.
Genome position (GRCh38, 1-based): chr2:86,028,635, C>T on the plus strand (G>A on the coding strand, the complement: POLR1A is on the minus strand). VCF-style: chr2-86028635-C-T. GRCh37 (hg19) VCF-style: chr2-86255758-C-T.
Other names: short protein forms R1619Q.
Identifiers: ClinVar variation 1368374 (VCV001368374.6), dbSNP rs537491902, ClinGen allele CA1745363.